The following is an entry in ClinVar:

ClinVar aggregate classification (germline): Pathogenic (1 of 4 stars; one submission).

Conditions:
Cutis laxa. Identifiers: Orphanet 209, MedGen C0010495, MONDO:0016175, HP:0000973.

Submission:

Women's Health and Genetics/Laboratory Corporation of America, LabCorp
Classification: Pathogenic for Cutis laxa. Last evaluated: 2026-05-01. Review status: criteria provided, single submitter. Criteria: LabCorp Variant Classification Summary - May 2015. Collection method: clinical testing. Allele origin: germline.
Comment: Variant summary: ATP6V0A2 c.598_599dupAC (p.Ile201ProfsX21) results in a premature termination codon, predicted to cause a truncation of the encoded protein or absence of the protein due to nonsense mediated decay, which are commonly known mechanisms for disease. The variant was absent in 251484 control chromosomes. To our knowledge, no occurrence of c.598_599dupAC in individuals affected with ATP6V0A2-related conditions and no experimental evidence demonstrating its impact on protein function have been reported. No submitters have cited clinical-significance assessments for this variant to ClinVar. Based on the evidence outlined above, the variant was classified as pathogenic.

NM_012463.4(ATP6V0A2):c.598_599dup (p.Ile201fs)

Gene: ATP6V0A2 (ATPase H+ transporting V0 subunit a2; plus strand). Cytogenetic location: 12q24.31.
Variant type: Microsatellite.
Coding change: c.598_599dup on transcript NM_012463.4 (MANE Select); coding-DNA positions 598 to 599, 2 bases duplicated (AC; older notation c.598_599dupAC).
Protein change: p.Ile201fs; shifts the reading frame from isoleucine 201.
Molecular consequence: frameshift variant.
Genome position (GRCh38, 1-based): chr12:123,727,859-123,727,860, AC duplicated; duplicating any 2 consecutive bases within chr12:123,727,857-123,727,860 gives the same sequence; the c. name uses the placement nearest the transcript's 3' end. VCF-style (leftmost placement, unchanged base first): chr12-123727856-T-TAC. GRCh37 (hg19) VCF-style: chr12-124212403-T-TAC.
Other names: c.598_599dupAC (NM_012463.4); short protein forms I201fs.
Identifiers: ClinVar variation 4853626 (VCV004853626.1).